The following is an entry in ClinVar:

NM_001077350.3(NPRL3):c.400G>T (p.Ala134Ser)

Genes: HBA-LCR (alpha-globin locus control region; plus strand), NPRL3 (NPR3 like, GATOR1 complex subunit; minus strand). Cytogenetic location: 16p13.3.
Variant type: single nucleotide variant.
Coding change: c.400G>T on transcript NM_001077350.3 (MANE Select); coding-DNA position 400, G replaced by T.
Protein change: p.Ala134Ser; replaces alanine 134 with serine.
Molecular consequence: missense variant. On other transcripts: 5 prime UTR variant (1).
Genome position (GRCh38, 1-based): chr16:112,769, C>A on the plus strand (G>T on the coding strand, the complement: NPRL3 is on the minus strand). VCF-style: chr16-112769-C-A. GRCh37 (hg19) VCF-style: chr16-162768-C-A.
Other names: c.-138G>T (NM_001039476.3); c.166G>T, p.Ala56Ser (NM_001243247.2); c.325G>T, p.Ala109Ser (NM_001243248.2, NM_001243249.2); short protein forms A109S, A56S, A134S.
Identifiers: ClinVar variation 2693072 (VCV002693072.3), dbSNP rs779581743, ClinGen allele CA393994112.

ClinVar aggregate classification (germline): Uncertain significance (1 of 4 stars; one submission).

Conditions:
Epilepsy, familial focal, with variable foci 3 (FFEVF3). Identifiers: MedGen C4310708, MONDO:0014925, OMIM 617118.

Submission:

Labcorp Genetics (formerly Invitae), Labcorp
Classification: Uncertain significance for Epilepsy, familial focal, with variable foci 3. Last evaluated: 2023-11-03. Review status: criteria provided, single submitter. Criteria: Invitae Variant Classification Sherloc (09022015). Collection method: clinical testing. Allele origin: germline.
Comment: This sequence change replaces alanine, which is neutral and non-polar, with serine, which is neutral and polar, at codon 134 of the NPRL3 protein (p.Ala134Ser). This variant is not present in population databases (gnomAD no frequency). This variant has not been reported in the literature in individuals affected with NPRL3-related conditions. Advanced modeling of protein sequence and biophysical properties (such as structural, functional, and spatial information, amino acid conservation, physicochemical variation, residue mobility, and thermodynamic stability) performed at Invitae indicates that this missense variant is not expected to disrupt NPRL3 protein function with a negative predictive value of 80%. In summary, the available evidence is currently insufficient to determine the role of this variant in disease. Therefore, it has been classified as a Variant of Uncertain Significance.